The following is an entry in ClinVar:

NM_000441.2(SLC26A4):c.260A>G (p.Asp87Gly)

Gene: SLC26A4 (solute carrier family 26 member 4; plus strand). Cytogenetic location: 7q22.3.
Variant type: single nucleotide variant.
Coding change: c.260A>G on transcript NM_000441.2 (MANE Select); coding-DNA position 260, A replaced by G.
Protein change: p.Asp87Gly; replaces aspartic acid 87 with glycine.
Molecular consequence: missense variant.
Genome position (GRCh38, 1-based): chr7:107,663,391, A>G. VCF-style: chr7-107663391-A-G. GRCh37 (hg19) VCF-style: chr7-107303836-A-G.
Other names: short protein forms D87G.
Identifiers: ClinVar variation 43548 (VCV000043548.10), dbSNP rs111033344, ClinGen allele CA132717.

ClinVar aggregate classification (germline): Conflicting classifications of pathogenicity. Review status: criteria provided, conflicting classifications (1 of 4 stars). 3 submissions from 3 submitters: Likely pathogenic (2); Uncertain significance (1). Last evaluated 2026-01-02.

Conditions:
Autosomal recessive nonsyndromic hearing loss 4 (DFNB4). Also called: FOXI1-Related Pendred Syndrome; KCNJ10-Related Pendred Syndrome; DEAFNESS, AUTOSOMAL RECESSIVE 4, WITH ENLARGED VESTIBULAR AQUEDUCT, DIGENIC; Nonsyndromic enlarged vestibular aqueduct (NSEVA); Deafness, autosomal recessive 4, with enlarged vestibular aqueduct; Deafness, autosomal recessive 4. Identifiers: Orphanet 90636, MedGen C3538946, MONDO:0010933, OMIM 600791.
Pendred syndrome (PDS). Also called: DEAFNESS WITH GOITER; GOITER-DEAFNESS SYNDROME; HYPOTHYROIDISM, CONGENITAL, DUE TO DYSHORMONOGENESIS, 2B; Pendred Syndrome (PDS); Pendred's syndrome; THYROID DYSHORMONOGENESIS 2B. Identifiers: Orphanet 705, MedGen C0271829, MONDO:0010134, OMIM 274600.

Allele frequency attached by ClinVar (database versions not stated): gnomAD exomes 0.00002.
gnomAD v4.1: 13 of 1,614,018 alleles (0.00081%); highest among the groups gnomAD compares: Non-Finnish European, 0.0011%; no homozygotes.

Submissions (3):

Otogenetics
Classification: Likely pathogenic for Autosomal recessive nonsyndromic hearing loss 4; Pendred syndrome. Last evaluated: 2026-01-02. Review status: criteria provided, single submitter. Criteria: ACMG Guidelines, 2015. Collection method: clinical testing. Allele origin: germline.
Comment: PM2_Supporting: Maximum gnomAD MAF of 0.0011% in European-Non Finnish (NFE) subpopulation (<0.263% threshold); PM3_Supporting: Variant reported in trans with one pathogenic variant in one individual affected with Pendred syndrome (PMID: 34171171); PM5: Pathogenic missense amino acid changes occur in same position: c.259G>T p.Asp87Tyr (PMID: 23185506, 24612839); PP3: In-silico models predict deleterious effect (Revel = 0.98, BayesDel = 0.55); PP4: Variant reported in patient with highly specific phenotype for disease fitting (PMID: 34171171)

Labcorp Genetics (formerly Invitae), Labcorp
Classification: Likely pathogenic. Last evaluated: 2023-10-29. Review status: criteria provided, single submitter. Criteria: Invitae Variant Classification Sherloc (09022015). Collection method: clinical testing. Allele origin: germline.
Comment: This sequence change replaces aspartic acid, which is acidic and polar, with glycine, which is neutral and non-polar, at codon 87 of the SLC26A4 protein (p.Asp87Gly). This variant is not present in population databases (gnomAD no frequency). This missense change has been observed in individual(s) with clinical features of SLC26A4-related conditions (PMID: 34171171). ClinVar contains an entry for this variant (Variation ID: 43548). Advanced modeling of protein sequence and biophysical properties (such as structural, functional, and spatial information, amino acid conservation, physicochemical variation, residue mobility, and thermodynamic stability) performed at Invitae indicates that this missense variant is expected to disrupt SLC26A4 protein function with a positive predictive value of 95%. This variant disrupts the p.Asp87 amino acid residue in SLC26A4. Other variant(s) that disrupt this residue have been determined to be pathogenic (PMID: 19199245, 24612839, 25372295). This suggests that this residue is clinically significant, and that variants that disrupt this residue are likely to be disease-causing. In summary, the currently available evidence indicates that the variant is pathogenic, but additional data are needed to prove that conclusively. Therefore, this variant has been classified as Likely Pathogenic.

Laboratory for Molecular Medicine, Mass General Brigham Personalized Medicine
Classification: Uncertain significance. Last evaluated: 2008-03-01. Review status: criteria provided, single submitter. Criteria: LMM Criteria. Collection method: clinical testing. Allele origin: germline. Observed: 1 variant allele.

Literature cited by the submitters: PubMed 23185506 (cited by Otogenetics); PubMed 24612839 (cited by Otogenetics and Labcorp Genetics (formerly Invitae), Labcorp); PubMed 34171171 (cited by Otogenetics and Labcorp Genetics (formerly Invitae), Labcorp); PubMed 19199245 (cited by Labcorp Genetics (formerly Invitae), Labcorp); PubMed 25372295 (cited by Labcorp Genetics (formerly Invitae), Labcorp).